The following is an entry in ClinVar:

ClinVar aggregate classification (germline): Uncertain significance (1 of 4 stars; one submission).

Submission:

Labcorp Genetics (formerly Invitae), Labcorp
Classification: Uncertain significance. Last evaluated: 2022-07-05. Review status: criteria provided, single submitter. Criteria: Invitae Variant Classification Sherloc (09022015). Collection method: clinical testing. Allele origin: germline.
Comment: This variant has not been reported in the literature in individuals affected with UNC80-related conditions. This variant is not present in population databases (gnomAD no frequency). This sequence change replaces leucine, which is neutral and non-polar, with serine, which is neutral and polar, at codon 2496 of the UNC80 protein (p.Leu2496Ser). ClinVar contains an entry for this variant (Variation ID: 1446794). In summary, the available evidence is currently insufficient to determine the role of this variant in disease. Therefore, it has been classified as a Variant of Uncertain Significance. Algorithms developed to predict the effect of missense changes on protein structure and function are either unavailable or do not agree on the potential impact of this missense change (SIFT: "Not Available"; PolyPhen-2: "Probably Damaging"; Align-GVGD: "Not Available").

NM_001371986.1(UNC80):c.7685T>C (p.Leu2562Ser)

Gene: UNC80 (unc-80 subunit of NALCN channel complex; plus strand). Cytogenetic location: 2q34.
Variant type: single nucleotide variant.
Coding change: c.7685T>C on transcript NM_001371986.1 (MANE Select); coding-DNA position 7685, T replaced by C.
Protein change: p.Leu2562Ser; replaces leucine 2562 with serine.
Molecular consequence: missense variant.
Genome position (GRCh38, 1-based): chr2:209,959,587, T>C. VCF-style: chr2-209959587-T-C. GRCh37 (hg19) VCF-style: chr2-210824311-T-C.
Other names: c.7487T>C, p.Leu2496Ser (NM_032504.2); c.7472T>C, p.Leu2491Ser (NM_182587.4); short protein forms L2562S, L2491S, L2496S.
Identifiers: ClinVar variation 1446794 (VCV001446794.8), dbSNP rs2125001140, ClinGen allele CA350776814.